The following is an entry in ClinVar:

NM_000215.4(JAK3):c.847C>T (p.Gln283Ter)

Gene: JAK3 (Janus kinase 3; minus strand). Cytogenetic location: 19p13.11.
Variant type: single nucleotide variant.
Coding change: c.847C>T on transcript NM_000215.4 (MANE Select); coding-DNA position 847, C replaced by T.
Protein change: p.Gln283Ter; replaces glutamine 283 with a stop codon.
Molecular consequence: nonsense.
Genome position (GRCh38, 1-based): chr19:17,842,330, G>A on the plus strand (C>T on the coding strand, the complement: JAK3 is on the minus strand). VCF-style: chr19-17842330-G-A. GRCh37 (hg19) VCF-style: chr19-17953139-G-A.
Other names: c.847C>T, p.Gln283Ter (NM_001440439.1); short protein forms Q283*.
Identifiers: ClinVar variation 5005952 (VCV005005952.2).

ClinVar aggregate classification (germline): Likely pathogenic (1 of 4 stars; one submission).

Conditions:
T-B+ severe combined immunodeficiency due to JAK3 deficiency. Also called: SCID, autosomal recessive, T-negative/B-positive type; SCID, T CELL-NEGATIVE, B CELL-POSITIVE, NK CELL-NEGATIVE. Identifiers: Orphanet 35078, MedGen C1833275, MONDO:0010938, OMIM 600802.

gnomAD v4.1: 2 of 1,587,210 alleles (0.00013%); highest among the groups gnomAD compares: South Asian, 0.0022%; no homozygotes.

Submission:

Juno Genomics, Hangzhou Juno Genomics, Inc
Classification: Likely pathogenic for T-B+ severe combined immunodeficiency due to JAK3 deficiency. Review status: criteria provided, single submitter. Criteria: ACMG Guidelines, 2015. Collection method: clinical testing. Allele origin: germline.
Comment: Null variant in a gene where loss of function (LOF) is a known mechanism of disease.;Absent from controls (or at extremely low frequency if recessive) in Genome Aggregation Database.